The following is an entry in ClinVar:

NM_001318895.3(FHL2):c.780del (p.Arg261fs)

Genes: C2orf49 (chromosome 2 open reading frame 49; plus strand), FHL2 (four and a half LIM domains 2; minus strand). Cytogenetic location: 2q12.2.
Variant type: Deletion.
Coding change: c.780del on transcript NM_001318895.3 (MANE Select); coding-DNA position 780, one base deleted (G; older notation c.780delG).
Protein change: p.Arg261fs; shifts the reading frame from arginine 261.
Molecular consequence: frameshift variant.
Genome position (GRCh38, 1-based): chr2:105,361,343, C deleted on the plus strand (G on the coding strand, the reverse complement: FHL2 is on the minus strand); the first of 4 consecutive C bases (chr2:105,361,343-105,361,346); deleting any one gives the same sequence. VCF-style (leftmost placement, unchanged base first): chr2-105361342-GC-G. GRCh37 (hg19) VCF-style: chr2-105977799-GC-G.
Other names: c.438del, p.Arg147fs (NM_001318898.2, NM_001318897.2); c.456del, p.Arg153fs (NM_001318899.2); c.780del, p.Arg261fs (NM_001374399.1, NM_001450.4, NM_201555.3 and 4 more transcripts); short protein forms R261fs, R147fs, R153fs.
Identifiers: ClinVar variation 3704659 (VCV003704659.2).

ClinVar aggregate classification (germline): Uncertain significance (1 of 4 stars; one submission).

Conditions:
Primary dilated cardiomyopathy (DCM). Also called: Dilated Cardiomyopathy. Identifiers: Orphanet 217604, MedGen C0007193, MeSH D002311, MONDO:0005021, HP:0001644. Inheritance: Various modes of inheritance.

Submission:

Labcorp Genetics (formerly Invitae), Labcorp
Classification: Uncertain significance for Primary dilated cardiomyopathy. Last evaluated: 2024-07-15. Review status: criteria provided, single submitter. Criteria: Invitae Variant Classification Sherloc (09022015). Collection method: clinical testing. Allele origin: germline.
Comment: This sequence change results in a frameshift in the FHL2 gene (p.Arg261Valfs*54). While this is not anticipated to result in nonsense mediated decay, it is expected to disrupt the last 19 amino acid(s) of the FHL2 protein and extend the protein by 34 additional amino acid residues. This variant is not present in population databases (gnomAD no frequency). This variant has not been reported in the literature in individuals affected with FHL2-related conditions. Experimental studies and prediction algorithms are not available or were not evaluated, and the functional significance of this variant is currently unknown. In summary, the available evidence is currently insufficient to determine the role of this variant in disease. Therefore, it has been classified as a Variant of Uncertain Significance.